The following is an entry in ClinVar:

NM_000179.3(MSH6):c.2021G>T (p.Gly674Val)

Gene: MSH6 (mutS homolog 6; plus strand). Cytogenetic location: 2p16.3.
Variant type: single nucleotide variant.
Coding change: c.2021G>T on transcript NM_000179.3 (MANE Select); coding-DNA position 2021, G replaced by T.
Protein change: p.Gly674Val; replaces glycine 674 with valine.
Molecular consequence: missense variant.
Genome position (GRCh38, 1-based): chr2:47,800,004, G>T. VCF-style: chr2-47800004-G-T. GRCh37 (hg19) VCF-style: chr2-48027143-G-T.
Other names: c.1631G>T, p.Gly544Val (NM_001281492.2); c.1115G>T, p.Gly372Val (NM_001281493.2, NM_001281494.2); short protein forms G674V, G544V, G372V.
Identifiers: ClinVar variation 422162 (VCV000422162.2), dbSNP rs1064795598, ClinGen allele CA16617664.

ClinVar aggregate classification (germline): Uncertain significance (1 of 4 stars; one submission).

Submission:

GeneDx
Classification: Uncertain significance. Last evaluated: 2016-09-02. Review status: criteria provided, single submitter. Criteria: GeneDx Variant Classification (06012015). Collection method: clinical testing. Allele origin: germline. Affected: yes.
Comment: This variant is denoted MSH6 c.2021G>T at the cDNA level, p.Gly674Val (G674V) at the protein level, and results in the change of a Glycine to a Valine (GGA>GTA). This variant has not, to our knowledge, been published in the literature as pathogenic or benign. MSH6 Gly674Val was not observed in approximately 6,500 individuals of European and African American ancestry in the NHLBI Exome Sequencing Project, suggesting it is not a common benign variant in these populations. Since Glycine and Valine share similar properties, this is considered a conservative amino acid substitution. MSH6 Gly674Val occurs at a position that is conserved in mammals and is located in domain II of the MutS domain (Terui 2013). In silico analyses are inconsistent regarding the effect this variant may have on protein structure and function. Based on currently available evidence, it is unclear whether MSH6 Gly674Val is a pathogenic or benign variant. We consider it to be a variant of uncertain significance.